The following is an entry in ClinVar:

ClinVar aggregate classification (germline): Pathogenic (1 of 4 stars; one submission).

Conditions:
multilineage dysplasia.

Submission:

Pediatric Hematology-Oncology Program, Instituto Nacional de Cancer
Classification: Pathogenic for multilineage dysplasia. Last evaluated: 2020-07-27. Review status: criteria provided, single submitter. Criteria: ACMG Guidelines, 2015. Collection method: clinical testing. Allele origin: germline. Affected: yes. Observed: 1 heterozygote.
Comment: The variant is located in GATA2 exon 3, 336 bp upstream of the junction between exons 3 and 4, and is fitted in the category of truncating mutations proximal to the C-finger type.

Literature cited by the submitters: DOI 10.1080/10428194.2020.1795163.

NM_032638.5(GATA2):c.535A>T (p.Lys179Ter)

Gene: GATA2 (GATA binding protein 2; minus strand). Cytogenetic location: 3q21.3.
Variant type: single nucleotide variant.
Coding change: c.535A>T on transcript NM_032638.5 (MANE Select); coding-DNA position 535, A replaced by T.
Protein change: p.Lys179Ter; replaces lysine 179 with a stop codon.
Molecular consequence: nonsense.
Genome position (GRCh38, 1-based): chr3:128,486,063, T>A on the plus strand (A>T on the coding strand, the complement: GATA2 is on the minus strand). VCF-style: chr3-128486063-T-A. GRCh37 (hg19) VCF-style: chr3-128204906-T-A.
Other names: c.535A>T, p.Lys179Ter (NM_001145661.2, NM_001145662.1); short protein forms K179*.
Identifiers: ClinVar variation 992660 (VCV000992660.2), dbSNP rs1559987322, ClinGen allele CA354406567.